The following is an entry in ClinVar:

NM_001080466.2(BTBD17):c.840C>G (p.Pro280=)

Gene: BTBD17 (BTB domain containing 17; minus strand). Cytogenetic location: 17q25.1.
Variant type: single nucleotide variant.
Coding change: c.840C>G on transcript NM_001080466.2 (MANE Select); coding-DNA position 840, C replaced by G.
Protein change: p.Pro280=; no amino-acid change (proline 280 retained).
Molecular consequence: synonymous variant.
Genome position (GRCh38, 1-based): chr17:74,357,254, G>C on the plus strand (C>G on the coding strand, the complement: BTBD17 is on the minus strand). VCF-style: chr17-74357254-G-C. GRCh37 (hg19) VCF-style: chr17-72353393-G-C.
Identifiers: ClinVar variation 3250685 (VCV003250685.18), dbSNP rs2054901154.
Genomic context (GRCh38, chr17:74,357,254, plus strand): 5'-GTAGTGCAGCGGCGACGCGGCGTGGAACTGGTAGGCCTGCAGCAGGAGGTCGGCCACCGC[G>C]GGGCCGTGGCGCGCCAGGGCTGCCGAGCGCGCCTGCAGCTGGAACAGCTGTGCCGGTGGG-3'
Protein context (NP_001073935.1, residues 270-290): ARSAALARHG[Pro280=]AVADLLLQAY

ClinVar aggregate classification (germline): Likely benign (1 of 4 stars; one submission).

Allele frequency attached by ClinVar (database versions not stated): gnomAD exomes below 0.00001.
gnomAD v4.1: 1 of 1,563,448 alleles (0.000064%); highest among the groups gnomAD compares: Non-Finnish European, 0.000086%; no homozygotes.

Submission:

CeGaT Center for Human Genetics Tuebingen
Classification: Likely benign. Last evaluated: 2026-08-01. Review status: criteria provided, single submitter. Criteria: CeGaT Center For Human Genetics Tuebingen Variant Classification Criteria Version 2. Collection method: clinical testing. Allele origin: germline. Affected: yes. Observed: 5 variant alleles.
Comment: BTBD17: BP4, BP7